The following is an entry in ClinVar:

NM_002471.4(MYH6):c.5264A>G (p.Glu1755Gly)

Gene: MYH6 (myosin heavy chain 6; minus strand). Cytogenetic location: 14q11.2.
Variant type: single nucleotide variant.
Coding change: c.5264A>G on transcript NM_002471.4 (MANE Select); coding-DNA position 5264, A replaced by G.
Protein change: p.Glu1755Gly; replaces glutamic acid 1755 with glycine.
Molecular consequence: missense variant.
Genome position (GRCh38, 1-based): chr14:23,384,941, T>C on the plus strand (A>G on the coding strand, the complement: MYH6 is on the minus strand). VCF-style: chr14-23384941-T-C. GRCh37 (hg19) VCF-style: chr14-23854150-T-C.
Other names: short protein forms E1755G.
Identifiers: ClinVar variation 1678401 (VCV001678401.9), dbSNP rs2138582278, ClinGen allele CA388987763.

ClinVar aggregate classification (germline): Uncertain significance. Review status: criteria provided, multiple submitters, no conflicts (2 of 4 stars). 3 submissions from 3 submitters: Uncertain significance (3). Last evaluated 2024-04-13.

Conditions:
Cardiovascular phenotype. Identifiers: MedGen CN230736.
Hypertrophic cardiomyopathy 14. Identifiers: MedGen C2750467, MONDO:0013197, OMIM 613251.

Submissions (3):

Ambry Genetics
Classification: Uncertain significance for Cardiovascular phenotype. Last evaluated: 2024-04-13. Review status: criteria provided, single submitter. Criteria: Ambry Variant Classification Scheme 2023. Collection method: clinical testing. Allele origin: germline.
Comment: The p.E1755G variant (also known as c.5264A>G), located in coding exon 33 of the MYH6 gene, results from an A to G substitution at nucleotide position 5264. The glutamic acid at codon 1755 is replaced by glycine, an amino acid with similar properties. This amino acid position is conserved. In addition, the in silico prediction for this alteration is inconclusive. Since supporting evidence is limited at this time, the clinical significance of this alteration remains unclear.

Labcorp Genetics (formerly Invitae), Labcorp
Classification: Uncertain significance for Hypertrophic cardiomyopathy 14. Last evaluated: 2023-10-03. Review status: criteria provided, single submitter. Criteria: Invitae Variant Classification Sherloc (09022015). Collection method: clinical testing. Allele origin: germline.
Comment: This sequence change replaces glutamic acid, which is acidic and polar, with glycine, which is neutral and non-polar, at codon 1755 of the MYH6 protein (p.Glu1755Gly). This variant is not present in population databases (gnomAD no frequency). This variant has not been reported in the literature in individuals affected with MYH6-related conditions. ClinVar contains an entry for this variant (Variation ID: 1678401). Advanced modeling of protein sequence and biophysical properties (such as structural, functional, and spatial information, amino acid conservation, physicochemical variation, residue mobility, and thermodynamic stability) performed at Invitae indicates that this missense variant is expected to disrupt MYH6 protein function. In summary, the available evidence is currently insufficient to determine the role of this variant in disease. Therefore, it has been classified as a Variant of Uncertain Significance.

AiLife Diagnostics
Classification: Uncertain significance. Last evaluated: 2021-05-27. Review status: criteria provided, single submitter. Criteria: ACMG Guidelines, 2015. Collection method: clinical testing. Allele origin: germline. Affected: yes. Observed: 1 variant allele.